The following is an entry in ClinVar:

NM_014991.6(WDFY3):c.3414C>A (p.Cys1138Ter)

Gene: WDFY3 (WD repeat and FYVE domain containing 3; minus strand). Cytogenetic location: 4q21.23.
Variant type: single nucleotide variant.
Coding change: c.3414C>A on transcript NM_014991.6 (MANE Select); coding-DNA position 3414, C replaced by A.
Protein change: p.Cys1138Ter; replaces cysteine 1138 with a stop codon.
Molecular consequence: nonsense.
Genome position (GRCh38, 1-based): chr4:84,794,592, G>T on the plus strand (C>A on the coding strand, the complement: WDFY3 is on the minus strand). VCF-style: chr4-84794592-G-T. GRCh37 (hg19) VCF-style: chr4-85715745-G-T.
Other names: short protein forms C1138*.
Identifiers: ClinVar variation 3900265 (VCV003900265.2).

ClinVar aggregate classification (germline): Pathogenic (1 of 4 stars; one submission).

Submission:

GeneDx
Classification: Pathogenic. Last evaluated: 2025-11-21. Review status: criteria provided, single submitter. Criteria: GeneDx Variant Classification Process June 2021. Collection method: clinical testing. Allele origin: germline.
Comment: Nonsense variant predicted to result in protein truncation or nonsense mediated decay in a gene for which loss of function is a known mechanism of disease; Not observed at significant frequency in large population cohorts (gnomAD); Has not been previously published as pathogenic or benign to our knowledge